The following continues an entry in ClinVar:

NM_000218.3(KCNQ1):c.1553G>A (p.Arg518Gln)

Gene: KCNQ1. ClinVar aggregate classification (germline): Conflicting classifications of pathogenicity. Likely pathogenic (1); Uncertain significance (7).

Submissions 7 to 10 of 10:

Women's Health and Genetics/Laboratory Corporation of America, LabCorp
Classification: Uncertain significance. Last evaluated: 2022-01-24. Review status: criteria provided, single submitter. Criteria: LabCorp Variant Classification Summary - May 2015. Collection method: clinical testing. Allele origin: germline.
Comment: Variant summary: KCNQ1 c.1553G>A (p.Arg518Gln) results in a conservative amino acid change located in the Potassium channel, voltage dependent, KCNQ, C-terminal domain (IPR013821) of the encoded protein sequence. Three of five in-silico tools predict a benign effect of the variant on protein function. The variant allele was found at a frequency of 3.2e-05 in 251410 control chromosomes (gnomAD). The available data on variant occurrences in the general population are insufficient to allow any conclusion about variant significance. c.1553G>A has been reported in the literature in individuals affected with Long QT syndrome, sudden infant death, epilepsy and hypertrophic cardiomyopathy (examples: Kapplinger_2009, Costa_2012, Lieve_2013, Ghouse_2015, Ruwald_2016, Tester_2018, Li_2019, Dai_2021). Their mother who was also affected with cardiac arrest was found to only carry the RYR2 variant, as were multiple symptomatic members from the maternal side of the family. The authors concluded that the RYR2 variant was predisposing to low penetrant CPVT in this family (Tung_2020). These reports do not provide unequivocal conclusions about association of the variant with Arrhythmia. At least one publication reports experimental evidence evaluating an impact on protein function. Slaats_2015 demonstrated that KCNQ1-p.R518Q variant could rescue ciliogenecis defect to the same levels as wild-type. Three clinical diagnostic laboratories have submitted clinical-significance assessments for this variant to ClinVar after 2014 and all laboratories classified the variant as uncertain significance. Based on the evidence outlined above, the variant was classified as uncertain significance.

Fulgent Genetics
Classification: Uncertain significance for Beckwith-Wiedemann syndrome; Long QT syndrome 1; Jervell and Lange-Nielsen syndrome 1; Atrial fibrillation, familial, 3; Short QT syndrome type 2. Last evaluated: 2021-09-01. Review status: criteria provided, single submitter. Criteria: ACMG Guidelines, 2015. Collection method: clinical testing. Allele origin: unknown.

CSER _CC_NCGL, University of Washington
Classification: Uncertain significance for Long QT syndrome. Last evaluated: 2014-06-01. Review status: no assertion criteria provided. Collection method: research. Allele origin: germline. Inheritance: Autosomal dominant inheritance. Study: ESP 6500 variant annotation. Not counted in ClinVar's aggregate classification.
Comment: Variants classified for the Actionable exomic incidental findings in 6503 participants: challenges of variant classification manuscript

Cardiovascular Biomedical Research Unit, Royal Brompton & Harefield NHS Foundation Trust
No classification provided. Condition: Familial long QT syndrome. Review status: no classification provided. Collection method: literature only. Allele origin: germline. Not counted in ClinVar's aggregate classification.
Comment: This variant has been reported as associated with Long QT syndrome in the following publications (PMID:19716085). This is a literature report, and does not necessarily reflect the clinical interpretation of the Imperial College / Royal Brompton Cardiovascular Genetics laboratory.

Literature cited by the submitters: PubMed 26159999 (cited by 4 submitters); PubMed 29544605 (cited by 4 submitters); PubMed 26546361 (cited by 4 submitters); PubMed 16414944 (cited by Labcorp Genetics (formerly Invitae), Labcorp); PubMed 21511995 (cited by Labcorp Genetics (formerly Invitae), Labcorp); PubMed 24363352 (cited by Labcorp Genetics (formerly Invitae), Labcorp); PubMed 19716085 (cited by 4 submitters); PubMed 31994352 (cited by 3 submitters); PubMed 32893267 (cited by Color Diagnostics, LLC DBA Color Health); PubMed 23631430 (cited by Women's Health and Genetics/Laboratory Corporation of America, LabCorp); PubMed 26318259 (cited by Women's Health and Genetics/Laboratory Corporation of America, LabCorp); PubMed 31696929 (cited by Women's Health and Genetics/Laboratory Corporation of America, LabCorp); PubMed 32048431 (cited by Women's Health and Genetics/Laboratory Corporation of America, LabCorp); PubMed 22293141 (cited by Women's Health and Genetics/Laboratory Corporation of America, LabCorp); PubMed 34333030 (cited by Women's Health and Genetics/Laboratory Corporation of America, LabCorp); PubMed 22581653 (cited by Cardiovascular Biomedical Research Unit, Royal Brompton & Harefield NHS Foundation Trust).